The following is an entry in ClinVar:

ClinVar aggregate classification (germline): Pathogenic/Likely pathogenic. Review status: criteria provided, multiple submitters, no conflicts (2 of 4 stars). 4 submissions from 4 submitters: Pathogenic (1); Likely pathogenic (2). 1 of the submissions does not count toward it. Last evaluated 2025-12-01.

Conditions:
Deficiency of UDPglucose-hexose-1-phosphate uridylyltransferase. Also called: GALACTOSEMIA I; GALACTOSE-1-PHOSPHATE URIDYLYLTRANSFERASE DEFICIENCY; Transferase Deficiency Galactosemia; GALT deficiency; Galactosemia, classic. Identifiers: Orphanet 352, Orphanet 79239, MedGen C0268151, MONDO:0009258, OMIM 230400.
Galactosemia. Also called: Galactose intolerance. Identifiers: Orphanet 352, MedGen C0016952, MONDO:0018116, HP:0004919. Disease mechanism: loss of function.

Submissions (4):

Natera, Inc.
Classification: Likely pathogenic for Galactosemia. Last evaluated: 2025-12-01. Review status: criteria provided, single submitter. Criteria: Natera Variant Classification Schema (03/2026). Collection method: clinical testing. Allele origin: germline.
Comment: The c.912dupC variant in GALT is a frameshift variant predicted to shift the reading frame beginning at codon 305 and leads to a stop codon 48 codons downstream. This variant is expected to result in nonsense mediated decay, truncation, or a dysfunctional protein product. This variant is rare in the general population with a frequency below the threshold expected for the associated phenotype(s). Given the available evidence, this variant is classified as Likely Pathogenic.

Mayo Clinic Laboratories, Mayo Clinic
Classification: Likely pathogenic. Last evaluated: 2025-03-24. Review status: criteria provided, single submitter. Criteria: ACMG Guidelines, 2015. Collection method: clinical testing. Allele origin: germline. Observed: 1 variant allele.
Comment: PP4, PM2_supporting, PVS1_strong

Labcorp Genetics (formerly Invitae), Labcorp
Classification: Pathogenic for Deficiency of UDPglucose-hexose-1-phosphate uridylyltransferase. Last evaluated: 2021-12-25. Review status: criteria provided, single submitter. Criteria: Invitae Variant Classification Sherloc (09022015). Collection method: clinical testing. Allele origin: germline.
Comment: This sequence change creates a premature translational stop signal (p.Thr305Hisfs*48) in the GALT gene. While this is not anticipated to result in nonsense mediated decay, it is expected to disrupt the last 75 amino acid(s) of the GALT protein. For these reasons, this variant has been classified as Pathogenic. This variant disrupts a region of the GALT protein in which other variant(s) (p.Pro351Leufs*8) have been determined to be pathogenic (Invitae). This suggests that this is a clinically significant region of the protein, and that variants that disrupt it are likely to be disease-causing. ClinVar contains an entry for this variant (Variation ID: 370932). This variant has not been reported in the literature in individuals affected with GALT-related conditions. This variant is present in population databases (rs746285782, gnomAD 0.01%).

Counsyl
Classification: Likely pathogenic for Deficiency of UDPglucose-hexose-1-phosphate uridylyltransferase. Last evaluated: 2016-05-27. Review status: no assertion criteria provided. Collection method: clinical testing. Allele origin: unknown. Not counted in ClinVar's aggregate classification.

NM_000155.4(GALT):c.912dup (p.Thr305fs)

Gene: GALT (galactose-1-phosphate uridylyltransferase; plus strand). Cytogenetic location: 9p13.3.
Variant type: Duplication.
Coding change: c.912dup on transcript NM_000155.4 (MANE Select); coding-DNA position 912, one base duplicated (C; older notation c.912dupC).
Protein change: p.Thr305fs; shifts the reading frame from threonine 305.
Molecular consequence: frameshift variant.
Genome position (GRCh38, 1-based): chr9:34,649,417, C duplicated; the last of 3 consecutive C bases (chr9:34,649,415-34,649,417); duplicating any one gives the same sequence. VCF-style (leftmost placement, unchanged base first): chr9-34649414-T-TC. GRCh37 (hg19) VCF-style: chr9-34649411-T-TC.
Other names: p.Thr305Hisfs*48; c.585dup, p.Thr196fs (NM_001258332.2); short protein forms T305fs, T196fs.
Identifiers: ClinVar variation 370932 (VCV000370932.13), dbSNP rs746285782, ClinGen allele CA5036257.